The following is an entry in ClinVar:

NM_020738.4(KIDINS220):c.1549G>A (p.Ala517Thr)

Gene: KIDINS220 (kinase D interacting substrate 220; minus strand). Cytogenetic location: 2p25.1.
Variant type: single nucleotide variant.
Coding change: c.1549G>A on transcript NM_020738.4 (MANE Select); coding-DNA position 1549, G replaced by A.
Protein change: p.Ala517Thr; replaces alanine 517 with threonine.
Molecular consequence: missense variant. On other transcripts: non-coding transcript variant (2).
Genome position (GRCh38, 1-based): chr2:8,789,952, C>T on the plus strand (G>A on the coding strand, the complement: KIDINS220 is on the minus strand). VCF-style: chr2-8789952-C-T. GRCh37 (hg19) VCF-style: chr2-8930082-C-T.
Other names: c.1552G>A, p.Ala518Thr (NM_001348729.2, NM_001348731.2, NM_001348734.2 and 3 more transcripts); c.1549G>A, p.Ala517Thr (NM_001348732.2, NM_001348735.2, NM_001348738.2 and 3 more transcripts); c.1423G>A, p.Ala475Thr (NM_001348736.2); short protein forms A475T, A518T, A517T.
Identifiers: ClinVar variation 2115213 (VCV002115213.4), dbSNP rs775010598, ClinGen allele CA1520161.

ClinVar aggregate classification (germline): Uncertain significance (1 of 4 stars; one submission).

Allele frequency attached by ClinVar (database versions not stated): ExAC 0.00001.

Submission:

Labcorp Genetics (formerly Invitae), Labcorp
Classification: Uncertain significance. Last evaluated: 2022-10-24. Review status: criteria provided, single submitter. Criteria: Invitae Variant Classification Sherloc (09022015). Collection method: clinical testing. Allele origin: germline.
Comment: In summary, the available evidence is currently insufficient to determine the role of this variant in disease. Therefore, it has been classified as a Variant of Uncertain Significance. Algorithms developed to predict the effect of missense changes on protein structure and function output the following: SIFT: "Tolerated"; PolyPhen-2: "Benign"; Align-GVGD: "Class C0". The threonine amino acid residue is found in multiple mammalian species, which suggests that this missense change does not adversely affect protein function. This variant has not been reported in the literature in individuals affected with KIDINS220-related conditions. This variant is not present in population databases (gnomAD no frequency). This sequence change replaces alanine, which is neutral and non-polar, with threonine, which is neutral and polar, at codon 517 of the KIDINS220 protein (p.Ala517Thr).